The following is an entry in ClinVar:

NM_015909.4(NBAS):c.6842T>C (p.Val2281Ala)

Gene: NBAS (NBAS subunit of NRZ tethering complex; minus strand). Cytogenetic location: 2p24.3.
Variant type: single nucleotide variant.
Coding change: c.6842T>C on transcript NM_015909.4 (MANE Select); coding-DNA position 6842, T replaced by C.
Protein change: p.Val2281Ala; replaces valine 2281 with alanine.
Molecular consequence: missense variant. On other transcripts: non-coding transcript variant (1).
Genome position (GRCh38, 1-based): chr2:15,167,322, A>G on the plus strand (T>C on the coding strand, the complement: NBAS is on the minus strand). VCF-style: chr2-15167322-A-G. GRCh37 (hg19) VCF-style: chr2-15307446-A-G.
Other names: short protein forms V2281A.
Identifiers: ClinVar variation 2111660 (VCV002111660.2), dbSNP rs2527906588, ClinGen allele CA345912481.

ClinVar aggregate classification (germline): Uncertain significance (1 of 4 stars; one submission).

Allele frequency attached by ClinVar (database versions not stated): gnomAD exomes below 0.00001.
gnomAD v4.1: 1 of 1,614,174 alleles (0.000062%); highest among the groups gnomAD compares: African/African-American, 0.0013%; no homozygotes.

Submission:

Labcorp Genetics (formerly Invitae), Labcorp
Classification: Uncertain significance. Last evaluated: 2022-03-14. Review status: criteria provided, single submitter. Criteria: Invitae Variant Classification Sherloc (09022015). Collection method: clinical testing. Allele origin: germline.
Comment: This variant has not been reported in the literature in individuals affected with NBAS-related conditions. In summary, the available evidence is currently insufficient to determine the role of this variant in disease. Therefore, it has been classified as a Variant of Uncertain Significance. Algorithms developed to predict the effect of missense changes on protein structure and function (SIFT, PolyPhen-2, Align-GVGD) all suggest that this variant is likely to be disruptive. This variant is not present in population databases (gnomAD no frequency). This sequence change replaces valine, which is neutral and non-polar, with alanine, which is neutral and non-polar, at codon 2281 of the NBAS protein (p.Val2281Ala).